The following is an entry in ClinVar:

NR_003051.4(RMRP):n.-18_-2dup

Genes: CCDC107 (coiled-coil domain containing 107; plus strand), RMRP (RNA component of mitochondrial RNA processing endoribonuclease; minus strand). Cytogenetic location: 9p13.3.
Variant type: Duplication.
Genome position: GRCh38 VCF-style: chr9-35658020-C-CGTCCTCAGCTTCACAGA. GRCh37 (hg19) VCF-style: chr9-35658017-C-CGTCCTCAGCTTCACAGA.
Identifiers: ClinVar variation 14214 (VCV000014214.18), dbSNP rs727502778, ClinGen allele CA257185.
Genomic context (GRCh38, chr9:35,658,020, plus strand): 5'-AAAGGGGAGGAACAGAGTCCTCAGTGTGTAGCCTAGGATACAGGCCTTCAGCACGAACCA[C>CGTCCTCAGCTTCACAGA]GTCCTCAGCTTCACAGAGTAGTATTTTATAGCCCTAAAGAAATTGTGTTTTATGATTAGG-3'

ClinVar aggregate classification (germline): Likely pathogenic. Review status: reviewed by expert panel (3 of 4 stars). 10 submissions from 10 submitters: Likely pathogenic (1). 9 of the submissions do not count toward it. Last evaluated 2026-10-14.

Conditions:
Anauxetic dysplasia. Identifiers: Orphanet 93347, MedGen C1846796, MONDO:0011773.
Anauxetic dysplasia 1 (ANXD1). Also called: Anauxetic Dysplasia (AD). Identifiers: Orphanet 93347, MedGen C4551965, MONDO:0054560, OMIM 607095.
Metaphyseal dysplasia without hypotrichosis. Also called: Metaphyseal Dysplasia without Hypotrichosis (MDWH); CARTILAGE-HAIR HYPOPLASIA VARIANT, SKELETAL MANIFESTATIONS ONLY; CARTILAGE-HAIR HYPOPLASIA-LIKE SKELETAL DYSPLASIA WITHOUT HYPOTRICHOSIS OR IMMUNODEFICIENCY. Identifiers: MedGen C1834821, MONDO:0009601, OMIM 250460.
Metaphyseal chondrodysplasia, McKusick type (CHH). Also called: Cartilage-hair hypoplasia; Cartilage-Hair Hypoplasia (CHH). Identifiers: Orphanet 175, MedGen C0220748, MONDO:0009595, OMIM 250250.
RMRP-related disorder. Also called: RMRP-related condition.

Submissions (10):

ClinGen Severe Combined Immunodeficiency Variant Curation Expert Panel, ClinGen
Classification: Likely pathogenic for Metaphyseal chondrodysplasia, McKusick type. Last evaluated: 2026-10-14. Review status: reviewed by expert panel. Criteria: ClinGen SCID ACMG Specifications RMRP V1.3. Collection method: curation. Allele origin: germline. Inheritance: Autosomal recessive inheritance.
Comment: The n.-18_-2dup variant in RMRP gene, that encodes for RNA component of mitochondrial RNA processing endoribonuclease, has been reported in compound heterozygous with n.195G>A (LP variant: ClinVar ID: 928882) in an individual affected with cartilage-hair hypoplasia [Total 1 point. So PM3_Moderate]. This variant is located between TATA box (spanning n.-32 to n.-24) and the transcription start site (n.4) [PM1_Strong]. This variant inserts 17 nucleotides that increases the distance between the TATA box (spanning n.-32 to n.-24) and the transcription start site (n.4) [PM4_Moderate]. The Total GrpMax filtering allele frequency (the lower threshold of the 95% CI of 32/376106 alleles) in gnomAD v4.1.0 is 0.00006152 which is greater than the PM2 threshold (<0.0000447) so PM2_Supporting, BS1, and BA1 are not met. Therefore, the n.-18_-2dup variant in RMRP gene is classified as likely pathogenic. [Evidences: PM1_Strong, PM3, PM4]

OLLIN Analises Genomicas, OLLIN
Classification: Likely pathogenic. Last evaluated: 2026-08-06. Review status: criteria provided, single submitter. Criteria: ACMG Guidelines 2015 PMID 25741868. Collection method: clinical testing. Allele origin: germline. Not counted in ClinVar's aggregate classification.
Comment: This variant, has been reported in ClinVar (accession VCV000014214.14), in gnomAD with an allele frequency of 0.0055%, and in the scientific literature, in compound heterozygosity, in individuals with CCDC107 related disorders (PMID: 14608646, 11207361, 16254002, 16244706, 12107819). Functional studies suggest that this variant may affect protein function (PMID: 14608646, 11207361, 16254002). According to the currently available evidence, this variant has been classified as likely pathogenic (PS3_M, PS4_M, PM2_P, PM3_S).

GeneDx
Classification: Pathogenic. Last evaluated: 2026-07-22. Review status: criteria provided, single submitter. Criteria: GeneDx Variant Classification Process June 2021. Collection method: clinical testing. Allele origin: germline. Not counted in ClinVar's aggregate classification.
Comment: Published functional studies demonstrate that this variant leads to a loss of RMRP expression (PMID: 14608646); Duplication, triplication, or insertion variants in the promoter region of the RMRP are expected to disrupt normal gene expression, and this is an established mechanism of disease (PMID: 11207361, 21146796); Also known as -20_-4dup17, n.-19_-3dup and n.-18_-2dup; Located in a non-coding RNA; This variant is associated with the following publications: (PMID: 38862721, 38702915, 38337186, 33726816, 11207361, 14608646, 21146796)

Labcorp Genetics (formerly Invitae), Labcorp
Classification: Pathogenic for Anauxetic dysplasia. Last evaluated: 2026-01-20. Review status: criteria provided, single submitter. Criteria: Invitae Variant Classification Sherloc (09022015). Collection method: clinical testing. Allele origin: germline. Not counted in ClinVar's aggregate classification.
Comment: This variant occurs in the RMRP gene, which encodes an RNA molecule that does not result in a protein product. This variant is present in population databases (rs727502778, gnomAD 0.009%). This variant has been observed in individuals with cartilage-hair hypoplasia (PMID: 11207361). Other insertions and duplications immediately upstream of the coding sequence have been reported in individuals affected with cartilage-hair hypoplasia-anauxetic dysplasia (CHH-AD) spectrum disorders (PMID: 16244706, 11207361, 12107819). This variant is also known as dupTCTGTGAAGCTGAGGAC at -3. ClinVar contains an entry for this variant (Variation ID: 14214). While functional studies for this variant have not been reported, experimental analyses using patient derived cells, as well as in vitro transfection studies, have shown that promoter insertions result in silencing of RMRP transcription and reduced expression of the gene product (PMID: 11207361, 16254002). For these reasons, this variant has been classified as Pathogenic.

Natera, Inc.
Classification: Pathogenic for Cartilage-hair hypoplasia. Last evaluated: 2025-09-05. Review status: criteria provided, single submitter. Criteria: Natera Variant Classification Schema (03/2026). Collection method: clinical testing. Allele origin: germline. Not counted in ClinVar's aggregate classification.
Comment: The n.-19_-3dupTCTGTGAAGCTGAGGAC variant in RMRP is a duplication affecting the RMRP promoter region between the TATA box and the transcription initiation site. Other duplications and insertions just upstream of the transcription initiation site have been reported in individuals affected with cartilage-hair hypoplasia (PMID: 11207361, 17937437). This variant is rare in the general population with a frequency below the threshold expected for the associated phenotype(s). This variant has been observed in one or more individuals affected with the associated recessive disease, as either homozygous or compound heterozygous with a second variant (PMID: 20375313, 32021596, 35166674, 38337186). Given the available evidence, this variant is classified as Pathogenic.

Laboratorio de Biologia Molecular/Medicina Genomica - IFF/Fiocruz, Instituto Fernandes Figueira, Fundacao Oswaldo Cruz
Classification: Pathogenic for Metaphyseal chondrodysplasia, McKusick type. Last evaluated: 2024-01-25. Review status: criteria provided, single submitter. Criteria: ACMG Guidelines, 2015. Collection method: clinical testing. Allele origin: germline. Affected: yes. Observed: 2 variant alleles. Not counted in ClinVar's aggregate classification.
Comment: This alteration is located within the promoter region of the RMRP gene, which encodes an untranslated RNA. Other insertions and duplications in this region have been reported in individuals affected with cartilage-hair hypoplasia-anauxetic dysplasia spectrum disorders (PMID: 11207361, 21956908, 21396580). This variant involves the duplication of 17 nucleotides between the TATA box and the transcription initiation site and functional studies have shown that this type of alteration result in reduced expression of the RMRP gene (PMIDs: 11207361, 16254002). For these reasons, this variant has been classified as Pathogenic.

Blueprint Genetics
Classification: Pathogenic for RMRP-related disorders. Last evaluated: 2024-01-18. Review status: criteria provided, single submitter. Criteria: ACMG Guidelines, 2015. Collection method: clinical testing. Allele origin: germline. Affected: yes. Observed: 5 variant alleles. Not counted in ClinVar's aggregate classification.

Fulgent Genetics
Classification: Pathogenic for Metaphyseal chondrodysplasia, McKusick type; Metaphyseal dysplasia without hypotrichosis; Anauxetic dysplasia 1. Last evaluated: 2022-04-19. Review status: criteria provided, single submitter. Criteria: ACMG Guidelines, 2015. Collection method: clinical testing. Allele origin: unknown. Not counted in ClinVar's aggregate classification.

Women's Health and Genetics/Laboratory Corporation of America, LabCorp
Classification: Pathogenic for Metaphyseal chondrodysplasia, McKusick type. Last evaluated: 2018-02-01. Review status: criteria provided, single submitter. Criteria: LabCorp Variant Classification Summary - May 2015. Collection method: clinical testing. Allele origin: germline. Not counted in ClinVar's aggregate classification.
Comment: Variant summary: RMRP n.-19_-3dup17 (also known as r.-19_-3dup17) variant involves the duplication of 17 nucleotides in the promoter region of RMRP, which is located between the TATA box (-33 to -25) and the transcription initiation site. The variant allele was found at a frequency of 3.3e-05 in 153424 control chromosomes. This frequency is not significantly higher than expected for a pathogenic variant in RMRP causing Cartilage-Hair Hypoplasia (3.3e-05 vs 0.0072), allowing no conclusion about variant significance. n.-19_-3dup17 has been reported in the literature in at least two individuals affected with Cartilage-Hair Hypoplasia in compound heterozygous state (Ridanpaa_2001, Bonafa_2005). These data indicate that the variant may be associated with disease. To our knowledge, no experimental evidence demonstrating an impact on protein function has been reported. However, variant n.-20_-19insTCTGTGAAGCTGGGGAC (rs727502779) that resembles to our variant of interest with one nucleotide difference (the 13th nt) has been reported in CHH patient and the expression analysis revealed that the allele with this insertion mutation in the promoter region silenced the gene (Nakashima_RMRP_AJMG_2003). One reputable database, OMIM, submitted clinical-significance assessments for this variant to ClinVar and classified this variant as pathogenic. Based on the evidence outlined above, the variant was classified as pathogenic.

OMIM
Classification: Pathogenic for CARTILAGE-HAIR HYPOPLASIA. Last evaluated: 2001-01-26. Review status: no assertion criteria provided. Collection method: literature only. Allele origin: germline. Not counted in ClinVar's aggregate classification.

Literature cited by the submitters: PubMed 14608646 (cited by OLLIN Analises Genomicas, OLLIN); PubMed 11207361 (cited by 5 submitters); PubMed 16254002 (cited by OLLIN Analises Genomicas, OLLIN and Labcorp Genetics (formerly Invitae), Labcorp); PubMed 16244706 (cited by 3 submitters); PubMed 12107819 (cited by OLLIN Analises Genomicas, OLLIN and Labcorp Genetics (formerly Invitae), Labcorp); PubMed 17937437 (cited by Natera, Inc.); PubMed 20375313 (cited by Natera, Inc.); PubMed 32021596 (cited by Natera, Inc. and Laboratorio de Biologia Molecular/Medicina Genomica - IFF/Fiocruz, Instituto Fernandes Figueira, Fundacao Oswaldo Cruz); PubMed 35166674 (cited by Natera, Inc.); PubMed 38337186 (cited by Natera, Inc.).